The following is an entry in ClinVar:

ClinVar aggregate classification (germline): Uncertain significance. Review status: criteria provided, multiple submitters, no conflicts (2 of 4 stars). 5 submissions from 5 submitters: Uncertain significance (5). Last evaluated 2025-06-18.

Conditions:
Cardiovascular phenotype. Identifiers: MedGen CN230736.
Hypertrophic cardiomyopathy. Also called: HYPERTROPHIC MYOCARDIOPATHY. Identifiers: Orphanet 217569, MedGen C0007194, MeSH D002312, MONDO:0005045, HP:0001639.

Submissions (5):

Ambry Genetics
Classification: Uncertain significance for Cardiovascular phenotype. Last evaluated: 2025-06-18. Review status: criteria provided, single submitter. Criteria: Ambry Variant Classification Scheme 2023. Collection method: clinical testing. Allele origin: germline.
Comment: The c.511_516dupAGCAAC variant (also known as p.S171_N172dup), located in coding exon 2 of the JPH2 gene, results from an in-frame duplication of AGCAAC at nucleotide positions 511 to 516. This results in the duplication of 2 extra residues (SN) between codons 171 and 172. This variant has been reported in an exome cohort (Jones EG et al. Sci Rep, 2019 Jun;9:9038). This amino acid region is highly conserved in available vertebrate species. In addition, this variant is predicted to be deleterious by in silico analysis (Choi Y et al. PLoS ONE. 2012; 7(10):e46688). Based on the available evidence, the clinical significance of this variant remains unclear.

Molecular Diagnostic Laboratory for Inherited Cardiovascular Disease, Montreal Heart Institute
Classification: Uncertain significance for Cardiovascular phenotype. Last evaluated: 2025-04-09. Review status: criteria provided, single submitter. Criteria: ACMG Guidelines, 2015. Collection method: clinical testing. Allele origin: germline. Affected: yes.

Labcorp Genetics (formerly Invitae), Labcorp
Classification: Uncertain significance for Hypertrophic cardiomyopathy. Last evaluated: 2023-11-17. Review status: criteria provided, single submitter. Criteria: Invitae Variant Classification Sherloc (09022015). Collection method: clinical testing. Allele origin: germline.
Comment: This variant, c.511_516dup, results in the insertion of 2 amino acid(s) of the JPH2 protein (p.Ser171_Asn172dup), but otherwise preserves the integrity of the reading frame. This variant is not present in population databases (gnomAD no frequency). This variant has not been reported in the literature in individuals affected with JPH2-related conditions. ClinVar contains an entry for this variant (Variation ID: 218769). Experimental studies and prediction algorithms are not available or were not evaluated, and the functional significance of this variant is currently unknown. In summary, the available evidence is currently insufficient to determine the role of this variant in disease. Therefore, it has been classified as a Variant of Uncertain Significance.

Genomic Diagnostic Laboratory, Division of Genomic Diagnostics, Children's Hospital of Philadelphia
Classification: Uncertain significance. Last evaluated: 2015-07-10. Review status: criteria provided, single submitter. Criteria: DGD Variant Analysis Guidelines. Collection method: clinical testing. Allele origin: unknown.

Laboratory for Molecular Medicine, Mass General Brigham Personalized Medicine
Classification: Uncertain significance. Last evaluated: 2015-03-18. Review status: criteria provided, single submitter. Criteria: LMM Criteria. Collection method: clinical testing. Allele origin: germline. Observed: 1 variant allele.
Comment: The p.Ser171_Asn172dup variant in JPH2 has not been previously reported in indiv iduals with cardiomyopathy. Data from large population studies is insufficient t o assess the frequency of this variant. This variant results in a duplication of 2 amino acids at position 172. It is unclear if this duplication will impact th e protein. In summary, the clinical significance of the p.Ser171_Asn172dup varia nt is uncertain.

Literature cited by the submitters: PubMed 31227780 (cited by Ambry Genetics).

NM_020433.5(JPH2):c.511_516dup (p.Ser171_Asn172dup)

Gene: JPH2 (junctophilin 2; minus strand). Cytogenetic location: 20q13.12.
Variant type: Duplication.
Coding change: c.511_516dup on transcript NM_020433.5 (MANE Select); coding-DNA positions 511 to 516, 6 bases duplicated (AGCAAC; older notation c.511_516dupAGCAAC).
Protein change: p.Ser171_Asn172dup.
Molecular consequence: inframe insertion.
Genome position (GRCh38, 1-based): chr20:44,160,271-44,160,276, GTTGCT duplicated on the plus strand (AGCAAC on the coding strand, the reverse complement: JPH2 is on the minus strand); duplicating any 6 consecutive bases within chr20:44,160,271-44,160,278 gives the same sequence; the c. name uses the placement nearest the transcript's 3' end. VCF-style (leftmost placement, unchanged base first): chr20-44160270-C-CGTTGCT. GRCh37 (hg19) VCF-style: chr20-42788910-C-CGTTGCT.
Other names: p.Ser171_Asn172dup; c.511_516dupAGCAAC (NM_020433.4); c.511_516dup (NM_020433.4).
Identifiers: ClinVar variation 218769 (VCV000218769.13), dbSNP rs864309612, ClinGen allele CA248886.